The following is an entry in ClinVar:

NM_022124.6(CDH23):c.9319+1G>C

Gene: CDH23 (cadherin related 23; plus strand). Cytogenetic location: 10q22.1.
Variant type: single nucleotide variant.
Coding change: c.9319+1G>C on transcript NM_022124.6 (MANE Select); the canonical splice donor site of the intron after coding-DNA position 9319, G replaced by C.
Molecular consequence: splice donor variant.
Genome position (GRCh38, 1-based): chr10:71,811,754, G>C. VCF-style: chr10-71811754-G-C. GRCh37 (hg19) VCF-style: chr10-73571511-G-C.
Other names: c.2599+1G>C (NM_001171933.1, NM_001171934.1).
Identifiers: ClinVar variation 1066040 (VCV001066040.8), dbSNP rs2133003145, ClinGen allele CA377135748.
Genomic context (GRCh38, chr10:71,811,754, plus strand): 5'-CCTCTCTGCTTCTCTCCAGACACAAGAGGAAGCTCAAGGCCATTGTGGCTGGCTCAGCTG[G>C]TAAGTGAGGGCCATAGTGGGGACACAGGTGAGAAGGCAGTGGGCTGGGGACCTGGAGTGC-3'

ClinVar aggregate classification (germline): Pathogenic/Likely pathogenic. Review status: criteria provided, multiple submitters, no conflicts (2 of 4 stars). 2 submissions from 2 submitters: Pathogenic (1); Likely pathogenic (1). Last evaluated 2026-04-30.

Conditions:
Usher syndrome type 1 (USH1). Also called: RETINITIS PIGMENTOSA AND CONGENITAL DEAFNESS. Identifiers: Orphanet 231169, Orphanet 886, MedGen C1568247, MONDO:0010168, OMIM 276900.

Submissions (2):

Laboratory of Molecular, Cellular and Translation Genetics in Otolaryngology/ Lim32-hcfmusp, University of Sao Paulo School of Medicine Clinics Hospital
Classification: Likely pathogenic for Usher syndrome type 1. Last evaluated: 2026-04-30. Review status: criteria provided, single submitter. Criteria: ClinGen HL ACMG Specifications v1. Collection method: research. Allele origin: germline. Affected: yes.
Comment: NM_022124.6:c.9319+1G>C. This variant has been classified as likely pathogenic. It is absent from population databases (PM2) and is predicted to result in loss of function in CDH23, a gene in which loss of function is an established disease mechanism (PVS1). It has been reported in trans with other pathogenic CDH23 variants segregating with hearing loss (PM3_supporting). These findings support the causative role of this variant in hearing loss associated with Usher syndrome type I.

Labcorp Genetics (formerly Invitae), Labcorp
Classification: Pathogenic. Last evaluated: 2022-07-12. Review status: criteria provided, single submitter. Criteria: Invitae Variant Classification Sherloc (09022015). Collection method: clinical testing. Allele origin: germline.
Comment: For these reasons, this variant has been classified as Pathogenic. Algorithms developed to predict the effect of sequence changes on RNA splicing suggest that this variant may disrupt the consensus splice site. ClinVar contains an entry for this variant (Variation ID: 1066040). Disruption of this splice site has been observed in individuals with Usher syndrome (PMID: 31755791; Invitae). This variant is not present in population databases (gnomAD no frequency). This sequence change affects a donor splice site in intron 65 of the CDH23 gene. It is expected to disrupt RNA splicing. Variants that disrupt the donor or acceptor splice site typically lead to a loss of protein function (PMID: 16199547), and loss-of-function variants in CDH23 are known to be pathogenic (PMID: 11138009, 21940737).

Literature cited by the submitters: PubMed 31755791 (cited by Laboratory of Molecular, Cellular and Translation Genetics in Otolaryngology/ Lim32-hcfmusp, University of Sao Paulo School of Medicine Clinics Hospital and Labcorp Genetics (formerly Invitae), Labcorp); PubMed 42233699 (cited by Laboratory of Molecular, Cellular and Translation Genetics in Otolaryngology/ Lim32-hcfmusp, University of Sao Paulo School of Medicine Clinics Hospital); PubMed 16199547 (cited by Labcorp Genetics (formerly Invitae), Labcorp); PubMed 11138009 (cited by Labcorp Genetics (formerly Invitae), Labcorp); PubMed 21940737 (cited by Labcorp Genetics (formerly Invitae), Labcorp).